The following is an entry in ClinVar:

NM_198253.3(TERT):c.718C>A (p.Arg240Ser)

Gene: TERT (telomerase reverse transcriptase; minus strand). Cytogenetic location: 5p15.33.
Variant type: single nucleotide variant.
Coding change: c.718C>A on transcript NM_198253.3 (MANE Select); coding-DNA position 718, C replaced by A.
Protein change: p.Arg240Ser; replaces arginine 240 with serine.
Molecular consequence: missense variant. On other transcripts: non-coding transcript variant (2).
Genome position (GRCh38, 1-based): chr5:1,294,168, G>T on the plus strand (C>A on the coding strand, the complement: TERT is on the minus strand). VCF-style: chr5-1294168-G-T. GRCh37 (hg19) VCF-style: chr5-1294283-G-T.
Other names: c.718C>A, p.Arg240Ser (NM_001193376.3); short protein forms R240S.
Identifiers: ClinVar variation 579485 (VCV000579485.9), dbSNP rs1252662816, ClinGen allele CA359056964.
Genomic context (GRCh38, chr5:1,294,168, plus strand): 5'-CCGGGTGGGCCCAGGACCCCTGCCCAACGGGCGTCCGCTCCGGCTCAGGGGCAGCGCCAC[G>T]CCTGGGCCTCTTGGGCAACGGCAGACTTCGGCTGGCACTGCCCCCGCGCCTCCTCGCACC-3'
Protein context (NP_937983.2, residues 230-250): RSLPLPKRPR[Arg240Ser]GAAPEPERTP

ClinVar aggregate classification (germline): Uncertain significance (1 of 4 stars; one submission).

Conditions:
Idiopathic Pulmonary Fibrosis. Also called: Idiopathic fibrosing alveolitis, chronic form; idiopathic fibrosing alveolitis. Identifiers: Orphanet 2032, MedGen C1800706, MeSH D054990, MONDO:0800504.
Dyskeratosis congenita, autosomal dominant 2. Identifiers: MedGen C3151443, MONDO:0013521, OMIM 613989.

Allele frequency attached by ClinVar (database versions not stated): gnomAD exomes 0.00001; TOPMed 0.00001; gnomAD 0.00002.

Submission:

Labcorp Genetics (formerly Invitae), Labcorp
Classification: Uncertain significance for Dyskeratosis congenita, autosomal dominant 2; Idiopathic Pulmonary Fibrosis. Last evaluated: 2024-07-24. Review status: criteria provided, single submitter. Criteria: Invitae Variant Classification Sherloc (09022015). Collection method: clinical testing. Allele origin: germline.
Comment: This sequence change replaces arginine, which is basic and polar, with serine, which is neutral and polar, at codon 240 of the TERT protein (p.Arg240Ser). The frequency data for this variant in the population databases is considered unreliable, as metrics indicate poor data quality at this position in the gnomAD database. This variant has not been reported in the literature in individuals affected with TERT-related conditions. ClinVar contains an entry for this variant (Variation ID: 579485). Advanced modeling of protein sequence and biophysical properties (such as structural, functional, and spatial information, amino acid conservation, physicochemical variation, residue mobility, and thermodynamic stability) has been performed at Invitae for this missense variant, however the output from this modeling did not meet the statistical confidence thresholds required to predict the impact of this variant on TERT protein function. In summary, the available evidence is currently insufficient to determine the role of this variant in disease. Therefore, it has been classified as a Variant of Uncertain Significance.